The following is an entry in ClinVar:

NM_006939.4(SOS2):c.3122A>T (p.Asn1041Ile)

Gene: SOS2 (SOS Ras/Rho guanine nucleotide exchange factor 2; minus strand). Cytogenetic location: 14q21.3.
Variant type: single nucleotide variant.
Coding change: c.3122A>T on transcript NM_006939.4 (MANE Select); coding-DNA position 3122, A replaced by T.
Protein change: p.Asn1041Ile; replaces asparagine 1041 with isoleucine.
Molecular consequence: missense variant.
Genome position (GRCh38, 1-based): chr14:50,130,716, T>A on the plus strand (A>T on the coding strand, the complement: SOS2 is on the minus strand). VCF-style: chr14-50130716-T-A. GRCh37 (hg19) VCF-style: chr14-50597434-T-A.
Other names: c.3023A>T, p.Asn1008Ile (NM_001411020.1); short protein forms N1008I, N1041I.
Identifiers: ClinVar variation 3225964 (VCV003225964.1), dbSNP rs2502826721, ClinGen allele CA389640943.

ClinVar aggregate classification (germline): Uncertain significance (1 of 4 stars; one submission).

Conditions:
Cardiovascular phenotype. Identifiers: MedGen CN230736.

Submission:

Ambry Genetics
Classification: Uncertain significance for Cardiovascular phenotype. Last evaluated: 2024-01-20. Review status: criteria provided, single submitter. Criteria: Ambry Variant Classification Scheme 2023. Collection method: clinical testing. Allele origin: germline.
Comment: The p.N1041I variant (also known as c.3122A>T), located in coding exon 20 of the SOS2 gene, results from an A to T substitution at nucleotide position 3122. The asparagine at codon 1041 is replaced by isoleucine, an amino acid with dissimilar properties. This amino acid position is conserved. In addition, the in silico prediction for this alteration is inconclusive. Based on the available evidence, the clinical significance of this alteration remains unclear.